The following is an entry in ClinVar:

ClinVar aggregate classification (germline): Uncertain significance. Review status: criteria provided, multiple submitters, no conflicts (2 of 4 stars). 3 submissions from 3 submitters: Uncertain significance (3). Last evaluated 2026-01-28.

Conditions:
Long QT syndrome (LQTS). Identifiers: MedGen C0023976, MeSH D008133, MONDO:0002442. Disease mechanism: loss of function. Inheritance: Various modes of inheritance.
Cardiovascular phenotype. Identifiers: MedGen CN230736.

Allele frequency attached by ClinVar (database versions not stated): TOPMed below 0.00001; gnomAD 0.00001; ExAC 0.00003; gnomAD exomes 0.00003.
gnomAD v4.1: 46 of 1,613,974 alleles (0.0029%); highest among the groups gnomAD compares: South Asian, 0.011%; no homozygotes.

Submissions (3):

Labcorp Genetics (formerly Invitae), Labcorp
Classification: Uncertain significance for Long QT syndrome. Last evaluated: 2026-01-28. Review status: criteria provided, single submitter. Criteria: Invitae Variant Classification Sherloc (09022015). Collection method: clinical testing. Allele origin: germline.
Comment: This sequence change replaces isoleucine, which is neutral and non-polar, with phenylalanine, which is neutral and non-polar, at codon 3287 of the ANK2 protein (p.Ile3287Phe). This variant is present in population databases (rs781204799, gnomAD 0.01%). This variant has not been reported in the literature in individuals affected with ANK2-related conditions. ClinVar contains an entry for this variant (Variation ID: 518718). An algorithm developed to predict the effect of missense changes on protein structure and function (PolyPhen-2) suggests that this variant is likely to be disruptive. In summary, the available evidence is currently insufficient to determine the role of this variant in disease. Therefore, it has been classified as a Variant of Uncertain Significance.

GeneDx
Classification: Uncertain significance. Last evaluated: 2026-01-26. Review status: criteria provided, single submitter. Criteria: GeneDx Variant Classification Process June 2021. Collection method: clinical testing. Allele origin: germline.
Comment: In silico analysis suggests that this missense variant does not alter protein structure/function; Has not been previously published as pathogenic or benign to our knowledge

Ambry Genetics
Classification: Uncertain significance for Cardiovascular phenotype. Last evaluated: 2017-09-14. Review status: criteria provided, single submitter. Criteria: Ambry Variant Classification Scheme 2023. Collection method: clinical testing. Allele origin: germline.
Comment: The p.I3287F variant (also known as c.9859A>T), located in coding exon 38 of the ANK2 gene, results from an A to T substitution at nucleotide position 9859. This exon is expressed solely in brain (Mohler PJ et al. Circulation, 2007 Jan;115:432-41). The isoleucine at codon 3287 is replaced by phenylalanine, an amino acid with highly similar properties. This amino acid position is not well conserved in available vertebrate species. In addition, this alteration is predicted to be deleterious by in silico analysis. Since supporting evidence is limited at this time, the clinical significance of this alteration remains unclear.

NM_001148.6(ANK2):c.9859A>T (p.Ile3287Phe)

Gene: ANK2 (ankyrin 2; plus strand). Cytogenetic location: 4q26.
Variant type: single nucleotide variant.
Coding change: c.9859A>T on transcript NM_001148.6 (MANE Select); coding-DNA position 9859, A replaced by T.
Protein change: p.Ile3287Phe; replaces isoleucine 3287 with phenylalanine.
Molecular consequence: missense variant. On other transcripts: intron variant (68).
Genome position (GRCh38, 1-based): chr4:113,358,477, A>T. VCF-style: chr4-113358477-A-T. GRCh37 (hg19) VCF-style: chr4-114279633-A-T.
Other names: c.9625A>T, p.Ile3209Phe (NM_001386142.1); c.6259A>T, p.Ile2087Phe (NM_001386166.1); c.10000A>T, p.Ile3334Phe (NM_001386174.1); c.9976A>T, p.Ile3326Phe (NM_001386175.1); c.4412-2346A>T (NM_001386186.2, NM_001386148.2); c.4214-2346A>T (NM_001354269.3); c.4292-2346A>T (NM_001386187.2); c.4253-2346A>T (NM_001386147.1); and 35 more; short protein forms I3287F, I2087F, I3209F, I3326F, I3334F.
Identifiers: ClinVar variation 518718 (VCV000518718.13), dbSNP rs781204799, ClinGen allele CA3051994.